The following is an entry in ClinVar:

ClinVar aggregate classification (germline): Pathogenic (1 of 4 stars; one submission).

Conditions:
Progressive sclerosing poliodystrophy (MTDPS4A). Also called: Alpers-Huttenlocher Syndrome (AHS); Alpers Syndrome; ALPERS PROGRESSIVE INFANTILE POLIODYSTROPHY; Mitochondrial DNA depletion syndrome 4A (Alpers type); ALPERS DIFFUSE DEGENERATION OF CEREBRAL GRAY MATTER WITH HEPATIC CIRRHOSIS; Alpers-Huttenlocher Syndrome. Identifiers: Orphanet 726, MedGen C0205710, MONDO:0008758, OMIM 203700.

Submission:

Wong Mito Lab, Molecular and Human Genetics, Baylor College of Medicine
Classification: Pathogenic for Progressive sclerosing poliodystrophy. Last evaluated: 2018-10-01. Review status: criteria provided, single submitter. Criteria: ACMG Guidelines, 2015. Collection method: clinical testing. Allele origin: germline.
Comment: The NM_002693.2:c.2157+5_2157+6delinsAG (NP_002684.1:p.=) [GRCH38: NC_000015.10:g.89323809_89323810delinsCT] variant in POLG gene is interpretated to be a Pathogenic based on ACMG guidelines (PMID: 25741868). This variant has been reported in PMID:18546365 . This variant meets the following evidence codes reported in the ACMG-guideline. PS3:Well established functional studies show a deleterious effect on POLG. PM2:This variant is absent in key population databases. PM3:Detected in trans with a pathogenic variant for Mitochondrial DNA depletion syndrome 4A (Alpers type) which is a recessive disorder. PM4:This variant causes alteration in the length of expressed protein. PP1:This variant is co-segregated with Mitochondrial DNA depletion syndrome 4A (Alpers type) in multiple affected family members. Based on the evidence criteria codes applied, the variant is suggested to be Pathogenic.

Literature cited by the submitters: PubMed 18546365.

NM_002693.3(POLG):c.2157+5_2157+6delinsAG

Gene: POLG (DNA polymerase gamma, catalytic subunit; minus strand). Cytogenetic location: 15q26.1.
Variant type: Indel.
Coding change: c.2157+5_2157+6delinsAG on transcript NM_002693.3 (MANE Select); bases 5 to 6 of the intron after coding-DNA position 2157, GC replaced by AG.
Molecular consequence: intron variant.
Genome position (GRCh38, 1-based): chr15:89,323,809-89,323,810, GC replaced by CT on the plus strand (GC replaced by AG on the coding strand, the reverse complement: POLG is on the minus strand). VCF-style: chr15-89323809-GC-CT. GRCh37 (hg19) VCF-style: chr15-89867040-GC-CT.
Other names: c.2157+5_2157+6delinsAG (NM_001126131.2).
Identifiers: ClinVar variation 619500 (VCV000619500.1), dbSNP rs1596354607, ClinGen allele CA10602330.